The following is an entry in ClinVar:

ClinVar aggregate classification (germline): Uncertain significance (1 of 4 stars; one submission).

Conditions:
Pyogenic arthritis-pyoderma gangrenosum-acne syndrome (PAPA). Also called: PAPA SYNDROME; FAMILIAL RECURRENT ARTHRITIS. Identifiers: Orphanet 69126, MedGen C1858361, MONDO:0011462, OMIM 604416.

gnomAD v4.1: 1 of 1,604,182 alleles (0.000062%); highest among the groups gnomAD compares: African/African-American, 0.0013%; no homozygotes.

Submission:

Labcorp Genetics (formerly Invitae), Labcorp
Classification: Uncertain significance for Pyogenic arthritis-pyoderma gangrenosum-acne syndrome. Last evaluated: 2025-10-16. Review status: criteria provided, single submitter. Criteria: Invitae Variant Classification Sherloc (09022015). Collection method: clinical testing. Allele origin: germline.
Comment: This sequence change replaces tyrosine, which is neutral and polar, with serine, which is neutral and polar, at codon 370 of the PSTPIP1 protein (p.Tyr370Ser). This variant is present in population databases (no rsID available, gnomAD 0.007%). This variant has not been reported in the literature in individuals affected with PSTPIP1-related conditions. ClinVar contains an entry for this variant (Variation ID: 3681436). Invitae Evidence Modeling of protein sequence and biophysical properties (such as structural, functional, and spatial information, amino acid conservation, physicochemical variation, residue mobility, and thermodynamic stability) indicates that this missense variant is expected to disrupt PSTPIP1 protein function with a positive predictive value of 80%. In summary, the available evidence is currently insufficient to determine the role of this variant in disease. Therefore, it has been classified as a Variant of Uncertain Significance.

NM_003978.5(PSTPIP1):c.1109A>C (p.Tyr370Ser)

Gene: PSTPIP1 (proline-serine-threonine phosphatase interacting protein 1; plus strand). Cytogenetic location: 15q24.3.
Variant type: single nucleotide variant.
Coding change: c.1109A>C on transcript NM_003978.5 (MANE Select); coding-DNA position 1109, A replaced by C.
Protein change: p.Tyr370Ser; replaces tyrosine 370 with serine.
Molecular consequence: missense variant. On other transcripts: non-coding transcript variant (1).
Genome position (GRCh38, 1-based): chr15:77,035,925, A>C. VCF-style: chr15-77035925-A-C. GRCh37 (hg19) VCF-style: chr15-77328266-A-C.
Other names: c.1052A>C, p.Tyr351Ser (NM_001321135.2); c.1082A>C, p.Tyr361Ser (NM_001321136.2); c.1304A>C, p.Tyr435Ser (NM_001321137.1); c.1100A>C, p.Tyr367Ser (NM_001411086.1); short protein forms Y370S, Y351S, Y367S, Y435S, Y361S.
Identifiers: ClinVar variation 3681436 (VCV003681436.2).